The following is an entry in ClinVar:

NM_001298.3(CNGA3):c.1117G>A (p.Val373Met)

Gene: CNGA3 (cyclic nucleotide gated channel subunit alpha 3; plus strand). Cytogenetic location: 2q11.2.
Variant type: single nucleotide variant.
Coding change: c.1117G>A on transcript NM_001298.3 (MANE Select); coding-DNA position 1117, G replaced by A.
Protein change: p.Val373Met; replaces valine 373 with methionine.
Molecular consequence: missense variant.
Genome position (GRCh38, 1-based): chr2:98,396,287, G>A. VCF-style: chr2-98396287-G-A. GRCh37 (hg19) VCF-style: chr2-99012750-G-A.
Other names: c.1063G>A, p.Val355Met (NM_001079878.2); short protein forms V373M, V355M.
Identifiers: ClinVar variation 866006 (VCV000866006.14), dbSNP rs552553452, ClinGen allele CA1793951.

ClinVar aggregate classification (germline): Conflicting classifications of pathogenicity. Review status: criteria provided, conflicting classifications (1 of 4 stars). 5 submissions from 5 submitters: Pathogenic (1); Likely pathogenic (2); Uncertain significance (1). 1 of the submissions does not count toward it. Last evaluated 2025-10-15.

Conditions:
Retinal dystrophy. Also called: Inherited retinal dystrophy. Identifiers: Orphanet 71862, MedGen C0854723, MeSH D058499, MONDO:0019118, HP:0000556.
Achromatopsia 2 (ACHM2). Also called: ROD MONOCHROMACY 2; ROD MONOCHROMATISM 2; COLORBLINDNESS, TOTAL. Identifiers: Orphanet 49382, MedGen C1857618, MONDO:0009003, OMIM 216900.

Allele frequency attached by ClinVar (database versions not stated): gnomAD exomes 0.00002 and 0.00004; TOPMed 0.00004; gnomAD 0.00005 and 0.00006; ExAC 0.00006; 1000 Genomes Project 30x 0.00031; 1000 Genomes Project 0.00040.
gnomAD v4.1: 35 of 1,610,604 alleles (0.0022%); highest among the groups gnomAD compares: Middle Eastern, 0.017%; no homozygotes.

Submissions (5):

Labcorp Genetics (formerly Invitae), Labcorp
Classification: Pathogenic. Last evaluated: 2025-10-15. Review status: criteria provided, single submitter. Criteria: Invitae Variant Classification Sherloc (09022015). Collection method: clinical testing. Allele origin: germline.
Comment: This sequence change replaces valine, which is neutral and non-polar, with methionine, which is neutral and non-polar, at codon 373 of the CNGA3 protein (p.Val373Met). This variant is present in population databases (rs552553452, gnomAD 0.02%). This missense change has been observed in individual(s) with clinical features of achromatopsia (PMID: 35332618; internal data). In at least one individual the data is consistent with being in trans (on the opposite chromosome) from a pathogenic variant. ClinVar contains an entry for this variant (Variation ID: 866006). Invitae Evidence Modeling of protein sequence and biophysical properties (such as structural, functional, and spatial information, amino acid conservation, physicochemical variation, residue mobility, and thermodynamic stability) has been performed for this missense variant. However, the output from this modeling did not meet the statistical confidence thresholds required to predict the impact of this variant on CNGA3 protein function. For these reasons, this variant has been classified as Pathogenic.

First Genomix Gene Laboratory, Genetic Diagnostics Department
Classification: Likely pathogenic for Achromatopsia 2. Last evaluated: 2025-06-11. Review status: criteria provided, single submitter. Criteria: ACMG Guidelines, 2015. Collection method: clinical testing. Allele origin: germline. Inheritance: Autosomal recessive inheritance. Affected: no.

Blueprint Genetics
Classification: Uncertain significance. Last evaluated: 2024-11-13. Review status: criteria provided, single submitter. Criteria: ACMG Guidelines, 2015. Collection method: clinical testing. Allele origin: germline.

Institute of Human Genetics, Univ. Regensburg, Univ. Regensburg
Classification: Likely pathogenic for Retinal dystrophy. Last evaluated: 2020-01-01. Review status: criteria provided, single submitter. Criteria: ACMG Guidelines, 2015. Collection method: clinical testing. Allele origin: germline. Affected: yes.

Molecular Genetics Laboratory, Institute for Ophthalmic Research
Classification: Likely pathogenic for Achromatopsia 2. Last evaluated: 2021-04-15. Review status: no assertion criteria provided. Collection method: research. Allele origin: germline. Affected: yes. Not counted in ClinVar's aggregate classification.

Literature cited by the submitters: PubMed 35332618 (cited by Labcorp Genetics (formerly Invitae), Labcorp and Institute of Human Genetics, Univ. Regensburg, Univ. Regensburg).